The following is an entry in ClinVar:

NM_000384.3(APOB):c.13559T>C (p.Leu4520Ser)

Gene: APOB (apolipoprotein B; minus strand). Cytogenetic location: 2p24.1.
Variant type: single nucleotide variant.
Coding change: c.13559T>C on transcript NM_000384.3 (MANE Select); coding-DNA position 13559, T replaced by C.
Protein change: p.Leu4520Ser; replaces leucine 4520 with serine.
Molecular consequence: missense variant.
Genome position (GRCh38, 1-based): chr2:21,001,863, A>G on the plus strand (T>C on the coding strand, the complement: APOB is on the minus strand). VCF-style: chr2-21001863-A-G. GRCh37 (hg19) VCF-style: chr2-21224735-A-G.
Other names: short protein forms L4520S.
Identifiers: ClinVar variation 1770675 (VCV001770675.2), dbSNP rs2465347458, ClinGen allele CA345967128.

ClinVar aggregate classification (germline): Uncertain significance (1 of 4 stars; one submission).

Conditions:
Cardiovascular phenotype. Identifiers: MedGen CN230736.

Submission:

Ambry Genetics
Classification: Uncertain significance for Cardiovascular phenotype. Last evaluated: 2022-01-07. Review status: criteria provided, single submitter. Criteria: Ambry Variant Classification Scheme 2023. Collection method: clinical testing. Allele origin: germline.
Comment: The p.L4520S variant (also known as c.13559T>C), located in coding exon 29 of the APOB gene, results from a T to C substitution at nucleotide position 13559. The leucine at codon 4520 is replaced by serine, an amino acid with dissimilar properties. This amino acid position is conserved. In addition, the in silico prediction for this alteration is inconclusive. Since supporting evidence is limited at this time, the clinical significance of this alteration remains unclear.